The following is an entry in ClinVar:

NM_022489.4(INF2):c.313G>A (p.Val105Met)

Gene: INF2 (inverted formin 2; plus strand). Cytogenetic location: 14q32.33.
Variant type: single nucleotide variant.
Coding change: c.313G>A on transcript NM_022489.4 (MANE Select); coding-DNA position 313, G replaced by A.
Protein change: p.Val105Met; replaces valine 105 with methionine.
Molecular consequence: missense variant. On other transcripts: non-coding transcript variant (1).
Genome position (GRCh38, 1-based): chr14:104,701,678, G>A. VCF-style: chr14-104701678-G-A. GRCh37 (hg19) VCF-style: chr14-105168015-G-A.
Other names: c.313G>A, p.Val105Met (NM_001031714.4, NM_001426862.1, NM_001426863.1 and 6 more transcripts); short protein forms V105M.
Identifiers: ClinVar variation 3753945 (VCV003753945.2).
Genomic context (GRCh38, chr14:104,701,678, plus strand): 5'-TCGGGCCGCGGCGTTGCACGTATCTCCGACGCCCTGCTGCAGCTCACCTGCGTCAGCTGC[G>A]TGCGCGCCGTCATGAACTCGCGGCAGGGCATCGAGTACATCCTCAGCAACCAGGGCTACG-3'
Protein context (NP_071934.3, residues 95-115): ALLQLTCVSC[Val105Met]RAVMNSRQGI

ClinVar aggregate classification (germline): Uncertain significance (1 of 4 stars; one submission).

Conditions:
Focal segmental glomerulosclerosis 5 (FSGS5). Identifiers: Orphanet 656, MedGen C2750475, MONDO:0013191, OMIM 613237.
Charcot-Marie-Tooth disease dominant intermediate E. Also called: CHARCOT-MARIE-TOOTH NEUROPATHY WITH FOCAL SEGMENTAL GLOMERULONEPHRITIS. Identifiers: Orphanet 93114, MedGen C4302667, MONDO:0013758, OMIM 614455.

gnomAD v4.1: 2 of 1,580,308 alleles (0.00013%); highest among the groups gnomAD compares: Admixed American, 0.0018%; no homozygotes.

Submission:

Labcorp Genetics (formerly Invitae), Labcorp
Classification: Uncertain significance for Charcot-Marie-Tooth disease dominant intermediate E; Focal segmental glomerulosclerosis 5. Last evaluated: 2024-09-04. Review status: criteria provided, single submitter. Criteria: Invitae Variant Classification Sherloc (09022015). Collection method: clinical testing. Allele origin: germline.
Comment: This sequence change replaces valine, which is neutral and non-polar, with methionine, which is neutral and non-polar, at codon 105 of the INF2 protein (p.Val105Met). The frequency data for this variant in the population databases is considered unreliable, as metrics indicate poor data quality at this position in the gnomAD database. This variant has not been reported in the literature in individuals affected with INF2-related conditions. Invitae Evidence Modeling of protein sequence and biophysical properties (such as structural, functional, and spatial information, amino acid conservation, physicochemical variation, residue mobility, and thermodynamic stability) has been performed for this missense variant. However, the output from this modeling did not meet the statistical confidence thresholds required to predict the impact of this variant on INF2 protein function. This variant disrupts the p.Val105 amino acid residue in INF2. Other variant(s) that disrupt this residue have been observed in individuals with INF2-related conditions (PMID: 30373780; internal case), which suggests that this may be a clinically significant amino acid residue. In summary, the available evidence is currently insufficient to determine the role of this variant in disease. Therefore, it has been classified as a Variant of Uncertain Significance.

Literature cited by the submitters: PubMed 30373780.